The following is an entry in ClinVar:

NM_004655.4(AXIN2):c.536A>G (p.Gln179Arg)

Gene: AXIN2 (axin 2; minus strand). Cytogenetic location: 17q24.1.
Variant type: single nucleotide variant.
Coding change: c.536A>G on transcript NM_004655.4 (MANE Select); coding-DNA position 536, A replaced by G.
Protein change: p.Gln179Arg; replaces glutamine 179 with arginine.
Molecular consequence: missense variant.
Genome position (GRCh38, 1-based): chr17:65,558,085, T>C on the plus strand (A>G on the coding strand, the complement: AXIN2 is on the minus strand). VCF-style: chr17-65558085-T-C. GRCh37 (hg19) VCF-style: chr17-63554203-T-C.
Other names: c.536A>G (LRG_296t1); c.536A>G, p.Gln179Arg (NM_001363813.1); short protein forms Q179R.
Identifiers: ClinVar variation 533175 (VCV000533175.9), dbSNP rs1555583409, ClinGen allele CA400680985.

ClinVar aggregate classification (germline): Uncertain significance. Review status: criteria provided, multiple submitters, no conflicts (2 of 4 stars). 2 submissions from 2 submitters: Uncertain significance (2). Last evaluated 2026-07-07.

Conditions:
Oligodontia-cancer predisposition syndrome. Also called: TOOTH AGENESIS-COLORECTAL CANCER SYNDROME. Identifiers: Orphanet 300576, MedGen C1837750, MONDO:0012075, OMIM 608615. Disease mechanism: loss of function.
Hereditary cancer-predisposing syndrome. Also called: Hereditary Cancer Syndrome; Tumor predisposition; Hereditary neoplastic syndrome; Neoplastic Syndromes, Hereditary. Identifiers: Orphanet 140162, MedGen C0027672, MeSH D009386, MONDO:0015356.

Allele frequency attached by ClinVar (database versions not stated): gnomAD exomes below 0.00001.
gnomAD v4.1: 3 of 1,614,198 alleles (0.00019%); highest among the groups gnomAD compares: Non-Finnish European, 0.00025%; no homozygotes.

Submissions (2):

Ambry Genetics
Classification: Uncertain significance for Hereditary cancer-predisposing syndrome. Last evaluated: 2026-07-07. Review status: criteria provided, single submitter. Criteria: Ambry Variant Classification Scheme 2023. Collection method: clinical testing. Allele origin: germline.
Comment: The p.Q179R variant (also known as c.536A>G), located in coding exon 1 of the AXIN2 gene, results from an A to G substitution at nucleotide position 536. The glutamine at codon 179 is replaced by arginine, an amino acid with highly similar properties. This amino acid position is conserved. In addition, the in silico prediction for this alteration is inconclusive. Based on the available evidence, the clinical significance of this variant remains unclear.

Labcorp Genetics (formerly Invitae), Labcorp
Classification: Uncertain significance for Oligodontia-cancer predisposition syndrome. Last evaluated: 2024-03-04. Review status: criteria provided, single submitter. Criteria: Invitae Variant Classification Sherloc (09022015). Collection method: clinical testing. Allele origin: germline.
Comment: This sequence change replaces glutamine, which is neutral and polar, with arginine, which is basic and polar, at codon 179 of the AXIN2 protein (p.Gln179Arg). This variant is not present in population databases (gnomAD no frequency). This variant has not been reported in the literature in individuals affected with AXIN2-related conditions. ClinVar contains an entry for this variant (Variation ID: 533175). Advanced modeling of protein sequence and biophysical properties (such as structural, functional, and spatial information, amino acid conservation, physicochemical variation, residue mobility, and thermodynamic stability) performed at Invitae indicates that this missense variant is expected to disrupt AXIN2 protein function with a positive predictive value of 80%. In summary, the available evidence is currently insufficient to determine the role of this variant in disease. Therefore, it has been classified as a Variant of Uncertain Significance.